The following is an entry in ClinVar:

NM_000257.4(MYH7):c.2783A>G (p.Asp928Gly)

Gene: MYH7 (myosin heavy chain 7; minus strand). Cytogenetic location: 14q11.2.
Variant type: single nucleotide variant.
Coding change: c.2783A>G on transcript NM_000257.4 (MANE Select); coding-DNA position 2783, A replaced by G.
Protein change: p.Asp928Gly; replaces aspartic acid 928 with glycine.
Molecular consequence: missense variant.
Genome position (GRCh38, 1-based): chr14:23,424,046, T>C on the plus strand (A>G on the coding strand, the complement: MYH7 is on the minus strand). VCF-style: chr14-23424046-T-C. GRCh37 (hg19) VCF-style: chr14-23893255-T-C.
Other names: c.2783A>G, p.Asp928Gly (NM_001407004.1); short protein forms D928G.
Identifiers: ClinVar variation 1795958 (VCV001795958.2), dbSNP rs727504558, ClinGen allele CA389047071.

ClinVar aggregate classification (germline): Uncertain significance (1 of 4 stars; one submission).

Conditions:
Cardiovascular phenotype. Identifiers: MedGen CN230736.

Allele frequency attached by ClinVar (database versions not stated): gnomAD exomes below 0.00001.
gnomAD v4.1: 1 of 1,614,246 alleles (0.000062%); highest among the groups gnomAD compares: Non-Finnish European, 0.000085%; no homozygotes.

Submission:

Ambry Genetics
Classification: Uncertain significance for Cardiovascular phenotype. Last evaluated: 2017-09-06. Review status: criteria provided, single submitter. Criteria: Ambry Variant Classification Scheme 2023. Collection method: clinical testing. Allele origin: germline.
Comment: The p.D928G variant (also known as c.2783A>G), located in coding exon 21 of the MYH7 gene, results from an A to G substitution at nucleotide position 2783. The aspartic acid at codon 928 is replaced by glycine, an amino acid with similar properties. This alteration has been reported in a hypertrophic cardiomyopathy (HCM) cohort; however, clinical details were limited (Lopes LR et al. Heart, 2015 Feb;101:294-301). Other alterations affecting this amino acid (p.D928A, p.D928N, and p.D928V) have been reported in individuals with HCM (Erdmann J et al. Clin Genet. 2003 Oct;64(4):339-49; Michels M. Eur. Heart J. 2009 Nov;30(21):2593-8; Walsh R et al. Genet. Med., 2017 Feb;19:192-203). This amino acid position is highly conserved in available vertebrate species. In addition, this alteration is predicted to be deleterious by in silico analysis. Since supporting evidence is limited at this time, the clinical significance of this alteration remains unclear.

Literature cited by the submitters: PubMed 12974739; PubMed 19666645; PubMed 25351510; PubMed 27532257.